The following is an entry in ClinVar:

NM_000075.4(CDK4):c.881A>G (p.Tyr294Cys)

Genes: TSPAN31 (tetraspanin 31; plus strand), CDK4 (cyclin dependent kinase 4; minus strand). Cytogenetic location: 12q14.1.
Variant type: single nucleotide variant.
Coding change: c.881A>G on transcript NM_000075.4 (MANE Select); coding-DNA position 881, A replaced by G.
Protein change: p.Tyr294Cys; replaces tyrosine 294 with cysteine.
Molecular consequence: missense variant. On other transcripts: 3 prime UTR variant (3).
Genome position (GRCh38, 1-based): chr12:57,748,556, T>C on the plus strand (A>G on the coding strand, the complement: CDK4 is on the minus strand). VCF-style: chr12-57748556-T-C. GRCh37 (hg19) VCF-style: chr12-58142339-T-C.
Other names: c.*1266T>C (NM_001330168.2, NM_001330169.2, NM_005981.5); short protein forms Y294C.
Identifiers: ClinVar variation 841483 (VCV000841483.14), dbSNP rs1565805206, ClinGen allele CA385542309.

ClinVar aggregate classification (germline): Uncertain significance. Review status: criteria provided, multiple submitters, no conflicts (2 of 4 stars). 3 submissions from 3 submitters: Uncertain significance (3). Last evaluated 2026-02-03.

Conditions:
Familial melanoma. Also called: Hereditary melanoma; Hereditary cutaneous melanoma. Identifiers: Orphanet 618, MedGen C1512419, MONDO:0018961.
Hereditary cancer-predisposing syndrome. Also called: Hereditary Cancer Syndrome; Tumor predisposition; Neoplastic Syndromes, Hereditary; Hereditary neoplastic syndrome. Identifiers: Orphanet 140162, MedGen C0027672, MeSH D009386, MONDO:0015356.

Allele frequency attached by ClinVar (database versions not stated): gnomAD exomes below 0.00001.

Submissions (3):

Labcorp Genetics (formerly Invitae), Labcorp
Classification: Uncertain significance for Familial melanoma. Last evaluated: 2026-02-03. Review status: criteria provided, single submitter. Criteria: Invitae Variant Classification Sherloc (09022015). Collection method: clinical testing. Allele origin: germline.
Comment: This sequence change replaces tyrosine, which is neutral and polar, with cysteine, which is neutral and slightly polar, at codon 294 of the CDK4 protein (p.Tyr294Cys). This variant is present in population databases (no rsID available, gnomAD 0.0009%). This variant has not been reported in the literature in individuals affected with CDK4-related conditions. ClinVar contains an entry for this variant (Variation ID: 841483). Invitae Evidence Modeling of protein sequence and biophysical properties (such as structural, functional, and spatial information, amino acid conservation, physicochemical variation, residue mobility, and thermodynamic stability) indicates that this missense variant is expected to disrupt CDK4 protein function with a positive predictive value of 95%. In summary, the available evidence is currently insufficient to determine the role of this variant in disease. Therefore, it has been classified as a Variant of Uncertain Significance.

Ambry Genetics
Classification: Uncertain significance for Hereditary cancer-predisposing syndrome. Last evaluated: 2025-12-22. Review status: criteria provided, single submitter. Criteria: Ambry Variant Classification Scheme 2023. Collection method: clinical testing. Allele origin: germline.
Comment: The p.Y294C variant (also known as c.881A>G), located in coding exon 7 of the CDK4 gene, results from an A to G substitution at nucleotide position 881. The tyrosine at codon 294 is replaced by cysteine, an amino acid with highly dissimilar properties. This amino acid position is well conserved in available vertebrate species. In addition, the in silico prediction for this alteration is inconclusive. Since supporting evidence is limited at this time, the clinical significance of this alteration remains unclear.

Quest Diagnostics Nichols Institute San Juan Capistrano
Classification: Uncertain significance. Last evaluated: 2021-02-02. Review status: criteria provided, single submitter. Criteria: Quest Diagnostics criteria. Collection method: clinical testing. Allele origin: unknown.